The following is an entry in ClinVar:

ClinVar aggregate classification (germline): Conflicting classifications of pathogenicity. Review status: criteria provided, conflicting classifications (1 of 4 stars). 5 submissions from 5 submitters: Uncertain significance (1); Benign (1); Likely benign (3). Last evaluated 2026-02-03.

Conditions:
Joubert syndrome. Also called: Familial aplasia of the vermis; JOUBERT-BOLTSHAUSER SYNDROME. Identifiers: Orphanet 475, MedGen C5979921, MONDO:0018772.
Meckel-Gruber syndrome. Also called: Dysencephalia splachnocystica; DYSENCEPHALIA SPLANCHNOCYSTICA; GRUBER SYNDROME. Identifiers: Orphanet 564, MedGen C0265215, MONDO:0018921.

Allele frequency attached by ClinVar (database versions not stated): gnomAD exomes 0.00018; ExAC 0.00038; 1000 Genomes Project 0.00060; 1000 Genomes Project 30x 0.00062; gnomAD 0.00079 and 0.00080; ESP Exome Variant Server 0.00082; TOPMed 0.00085.
gnomAD v4.1: 239 of 1,586,176 alleles (0.015%); highest among the groups gnomAD compares: African/African-American, 0.29%; no homozygotes.

Submissions (5):

Labcorp Genetics (formerly Invitae), Labcorp
Classification: Benign for Joubert syndrome; Meckel-Gruber syndrome. Last evaluated: 2026-02-03. Review status: criteria provided, single submitter. Criteria: Invitae Variant Classification Sherloc (09022015). Collection method: clinical testing. Allele origin: germline.

Mayo Clinic Laboratories, Mayo Clinic
Classification: Likely benign. Last evaluated: 2025-10-09. Review status: criteria provided, single submitter. Criteria: ACMG Guidelines, 2015. Collection method: clinical testing. Allele origin: germline. Observed: 3 variant alleles.
Comment: BP4, BP7

Blueprint Genetics
Classification: Likely benign. Last evaluated: 2024-11-14. Review status: criteria provided, single submitter. Criteria: ACMG Guidelines, 2015. Collection method: clinical testing. Allele origin: germline.

Eurofins Ntd Llc (ga)
Classification: Uncertain significance. Last evaluated: 2017-08-15. Review status: criteria provided, single submitter. Criteria: EGL Classification Definitions 2015. Collection method: clinical testing. Allele origin: germline. Observed: 10 variant alleles, 10 heterozygotes.

PreventionGenetics, part of Exact Sciences
Classification: Likely benign. Review status: criteria provided, single submitter. Criteria: ACMG Guidelines, 2015. Collection method: clinical testing. Allele origin: germline.

NM_001378615.1(CC2D2A):c.1017+7G>A

Genes: CC2D2A (coiled-coil and C2 domain containing 2A; plus strand), FBXL5 (F-box and leucine rich repeat protein 5; minus strand). Cytogenetic location: 4p15.32.
Variant type: single nucleotide variant.
Coding change: c.1017+7G>A on transcript NM_001378615.1 (MANE Select); 7 bases into the intron after coding-DNA position 1017, G replaced by A.
Molecular consequence: intron variant.
Genome position (GRCh38, 1-based): chr4:15,516,011, G>A. VCF-style: chr4-15516011-G-A. GRCh37 (hg19) VCF-style: chr4-15517634-G-A.
Other names: p.?; c.1017+7G>A (NM_001080522.2); c.870+7G>A (NM_001378617.1).
Identifiers: ClinVar variation 257383 (VCV000257383.17), dbSNP rs137919504, ClinGen allele CA2863537.